The following is an entry in ClinVar:

NM_006206.6(PDGFRA):c.278C>T (p.Ala93Val)

Gene: PDGFRA (platelet derived growth factor receptor alpha; plus strand). Cytogenetic location: 4q12.
Variant type: single nucleotide variant.
Coding change: c.278C>T on transcript NM_006206.6 (MANE Select); coding-DNA position 278, C replaced by T.
Protein change: p.Ala93Val; replaces alanine 93 with valine.
Molecular consequence: missense variant.
Genome position (GRCh38, 1-based): chr4:54,261,323, C>T. VCF-style: chr4-54261323-C-T. GRCh37 (hg19) VCF-style: chr4-55127490-C-T.
Other names: c.278C>T, p.Ala93Val (NM_001347827.2, NM_001347829.2); c.353C>T, p.Ala118Val (NM_001347828.2); c.317C>T, p.Ala106Val (NM_001347830.2); short protein forms A93V, A118V, A106V.
Identifiers: ClinVar variation 840080 (VCV000840080.11), dbSNP rs752669159, ClinGen allele CA2922260.

ClinVar aggregate classification (germline): Uncertain significance. Review status: criteria provided, multiple submitters, no conflicts (2 of 4 stars). 2 submissions from 2 submitters: Uncertain significance (2). Last evaluated 2023-11-27.

Conditions:
Gastrointestinal stromal tumor. Also called: Gastrointestinal stromal tumor, somatic; Gastrointestinal stroma tumor. Identifiers: Orphanet 44890, MedGen C0238198, MeSH D046152, MONDO:0011719, OMIM 606764, HP:0100723.
Hereditary cancer-predisposing syndrome. Also called: Neoplastic Syndromes, Hereditary; Tumor predisposition; Hereditary Cancer Syndrome; Hereditary neoplastic syndrome. Identifiers: Orphanet 140162, MedGen C0027672, MeSH D009386, MONDO:0015356.

Allele frequency attached by ClinVar (database versions not stated): gnomAD exomes below 0.00001; ExAC 0.00001.

Submissions (2):

Labcorp Genetics (formerly Invitae), Labcorp
Classification: Uncertain significance for Gastrointestinal stromal tumor. Last evaluated: 2023-11-27. Review status: criteria provided, single submitter. Criteria: Invitae Variant Classification Sherloc (09022015). Collection method: clinical testing. Allele origin: germline.
Comment: This sequence change replaces alanine, which is neutral and non-polar, with valine, which is neutral and non-polar, at codon 93 of the PDGFRA protein (p.Ala93Val). This variant is present in population databases (rs752669159, gnomAD 0.006%). This variant has not been reported in the literature in individuals affected with PDGFRA-related conditions. ClinVar contains an entry for this variant (Variation ID: 840080). Advanced modeling of protein sequence and biophysical properties (such as structural, functional, and spatial information, amino acid conservation, physicochemical variation, residue mobility, and thermodynamic stability) performed at Invitae indicates that this missense variant is not expected to disrupt PDGFRA protein function with a negative predictive value of 80%. In summary, the available evidence is currently insufficient to determine the role of this variant in disease. Therefore, it has been classified as a Variant of Uncertain Significance.

Ambry Genetics
Classification: Uncertain significance for Hereditary cancer-predisposing syndrome. Last evaluated: 2022-11-18. Review status: criteria provided, single submitter. Criteria: Ambry Variant Classification Scheme 2023. Collection method: clinical testing. Allele origin: germline.
Comment: The p.A93V variant (also known as c.278C>T), located in coding exon 2 of the PDGFRA gene, results from a C to T substitution at nucleotide position 278. The alanine at codon 93 is replaced by valine, an amino acid with similar properties. This amino acid position is conserved. In addition, this alteration is predicted to be tolerated by in silico analysis. Since supporting evidence is limited at this time, the clinical significance of this alteration remains unclear.